The following is an entry in ClinVar:

NM_001042492.3(NF1):c.4627del (p.Ala1544fs)

Gene: NF1 (neurofibromin 1; plus strand). Cytogenetic location: 17q11.2.
Variant type: Deletion.
Coding change: c.4627del on transcript NM_001042492.3 (MANE Select); coding-DNA position 4627, one base deleted (C; older notation c.4627delC).
Protein change: p.Ala1544fs; shifts the reading frame from alanine 1544.
Molecular consequence: frameshift variant.
Genome position (GRCh38, 1-based): chr17:31,261,760, C deleted. VCF-style (leftmost placement, unchanged base first): chr17-31261759-TC-T. GRCh37 (hg19) VCF-style: chr17-29588777-TC-T.
Other names: c.4564delC, p.Ala1523Hisfs (NM_000267.4); short protein forms A1523fs, A1544fs.
Identifiers: ClinVar variation 428966 (VCV000428966.3), dbSNP rs1131691088, ClinGen allele CA625477256.
Genomic context (GRCh38, chr17:31,261,759, plus strand): 5'-TGCTGTATCTAGGGATCATAAAGCTGTTGGAAGACGACCTTTTGATAAGATGGCAACACT[TC>T]TTGCATACCTGGGTCCTCCAGAGCACAAACCTGTGGCAGATACACACTGGTCCAGCCTTA-3'

ClinVar aggregate classification (germline): Pathogenic (1 of 4 stars; one submission).

Conditions:
Hereditary cancer-predisposing syndrome. Also called: Hereditary Cancer Syndrome; Neoplastic Syndromes, Hereditary; Hereditary neoplastic syndrome; Tumor predisposition. Identifiers: Orphanet 140162, MedGen C0027672, MeSH D009386, MONDO:0015356.

Allele frequency attached by ClinVar (database versions not stated): gnomAD exomes below 0.00001.

Submission:

Ambry Genetics
Classification: Pathogenic for Hereditary cancer-predisposing syndrome. Last evaluated: 2015-05-28. Review status: criteria provided, single submitter. Criteria: Ambry Autosomal Dominant and X-Linked criteria (10/2015). Collection method: clinical testing. Allele origin: germline. Observed: 1 variant allele.
Comment: The c.4627delC pathogenic mutation, located in coding exon 35 of the NF1 gene, results from a deletion of one nucleotide at position 4627, causing a translational frameshift with a predicted alternate stop codon. Since frameshifts are typically deleterious in nature, this alteration is interpreted as a disease-causing mutation (ACMG Recommendations for Standards for Interpretation and Reporting of Sequence Variations. Revision 2007. Genet Med. 2008;10:294).